The following is an entry in ClinVar:

NM_001199397.3(NEK1):c.142del (p.Ser48fs)

Gene: NEK1 (NIMA related kinase 1; minus strand). Cytogenetic location: 4q33.
Variant type: Deletion.
Coding change: c.142del on transcript NM_001199397.3 (MANE Select); coding-DNA position 142, one base deleted (T; older notation c.142delT).
Protein change: p.Ser48fs; shifts the reading frame from serine 48.
Molecular consequence: frameshift variant. On other transcripts: 5 prime UTR variant (2), non-coding transcript variant (2).
Genome position (GRCh38, 1-based): chr4:169,602,080, A deleted on the plus strand (T on the coding strand, the reverse complement: NEK1 is on the minus strand). VCF-style (leftmost placement, unchanged base first): chr4-169602079-GA-G. GRCh37 (hg19) VCF-style: chr4-170523230-GA-G.
Other names: c.142del, p.Ser48fs (NM_001199398.3, NM_001199399.3, NM_001199400.3 and 11 more transcripts); c.-382del (NM_001440624.1, NM_001440625.1); short protein forms S48fs.
Identifiers: ClinVar variation 4728306 (VCV004728306.1).

ClinVar aggregate classification (germline): Pathogenic (1 of 4 stars; one submission).

Conditions:
Short-rib thoracic dysplasia 6 with or without polydactyly (SRTD6). Also called: POLYDACTYLY WITH NEONATAL CHONDRODYSTROPHY, TYPE II; SHORT RIB-POLYDACTYLY SYNDROME, TYPE IIA; SHORT-RIB THORACIC DYSPLASIA 6 WITH POLYDACTYLY; SHORT-RIB THORACIC DYSPLASIA 6 WITHOUT POLYDACTYLY; Majewski Syndrome. Identifiers: MedGen C0024507, MONDO:0009894, OMIM 263520.

Submission:

Labcorp Genetics (formerly Invitae), Labcorp
Classification: Pathogenic for Short-rib thoracic dysplasia 6 with or without polydactyly. Last evaluated: 2025-10-01. Review status: criteria provided, single submitter. Criteria: Invitae Variant Classification Sherloc (09022015). Collection method: clinical testing. Allele origin: germline.
Comment: This sequence change creates a premature translational stop signal (p.Ser48Glnfs*11) in the NEK1 gene. It is expected to result in an absent or disrupted protein product. Loss-of-function variants in NEK1 are known to be pathogenic (PMID: 22499340, 29068549). This variant is not present in population databases (gnomAD no frequency). This variant has not been reported in the literature in individuals affected with NEK1-related conditions. For these reasons, this variant has been classified as Pathogenic.

Literature cited by the submitters: PubMed 22499340; PubMed 29068549.